The following is an entry in ClinVar:

ClinVar aggregate classification (germline): Likely benign (1 of 4 stars; one submission).

Allele frequency attached by ClinVar (database versions not stated): gnomAD 0.00152; TOPMed 0.00173; 1000 Genomes Project 0.00180; ESP Exome Variant Server 0.00185; 1000 Genomes Project 30x 0.00203; ExAC 0.00207; gnomAD exomes 0.00212.
gnomAD v4.1: 3,342 of 1,612,728 alleles (0.21%); highest among the groups gnomAD compares: Middle Eastern, 1.3%; 8 homozygotes.

Submission:

CeGaT Center for Human Genetics Tuebingen
Classification: Likely benign. Last evaluated: 2023-04-01. Review status: criteria provided, single submitter. Criteria: CeGaT Center For Human Genetics Tuebingen Variant Classification Criteria Version 2. Collection method: clinical testing. Allele origin: germline. Affected: yes. Observed: 1 variant allele.
Comment: AGPAT3: BP4, BS2

NM_020132.5(AGPAT3):c.348+7G>A

Gene: AGPAT3 (1-acylglycerol-3-phosphate O-acyltransferase 3; plus strand). Cytogenetic location: 21q22.3.
Variant type: single nucleotide variant.
Coding change: c.348+7G>A on transcript NM_020132.5 (MANE Select); 7 bases into the intron after coding-DNA position 348, G replaced by A.
Molecular consequence: intron variant.
Genome position (GRCh38, 1-based): chr21:43,968,122, G>A. VCF-style: chr21-43968122-G-A. GRCh37 (hg19) VCF-style: chr21-45388003-G-A.
Other names: c.162+7G>A (NM_001369881.1); c.348+7G>A (NM_001369878.1, NM_001369880.1, NM_001037553.2).
Identifiers: ClinVar variation 2652728 (VCV002652728.24), dbSNP rs117033927, ClinGen allele CA10049783.